The following is an entry in ClinVar:

NM_000343.4(SLC5A1):c.196G>A (p.Val66Met)

Gene: SLC5A1 (solute carrier family 5 member 1; plus strand). Cytogenetic location: 22q12.3.
Variant type: single nucleotide variant.
Coding change: c.196G>A on transcript NM_000343.4 (MANE Select); coding-DNA position 196, G replaced by A.
Protein change: p.Val66Met; replaces valine 66 with methionine.
Molecular consequence: missense variant.
Genome position (GRCh38, 1-based): chr22:32,050,003, G>A. VCF-style: chr22-32050003-G-A. GRCh37 (hg19) VCF-style: chr22-32445990-G-A.
Other names: short protein forms V66M.
Identifiers: ClinVar variation 1946284 (VCV001946284.5), dbSNP rs1460424935, ClinGen allele CA411309334.

ClinVar aggregate classification (germline): Uncertain significance (1 of 4 stars; one submission).

Conditions:
Congenital glucose-galactose malabsorption (GGM). Also called: MONOSACCHARIDE MALABSORPTION; DIARRHEA 16. Identifiers: Orphanet 35710, MedGen C0268186, MONDO:0011731, OMIM 606824.

gnomAD v4.1: 2 of 1,613,994 alleles (0.00012%); highest among the groups gnomAD compares: Non-Finnish European, 0.00017%; no homozygotes.

Submission:

Labcorp Genetics (formerly Invitae), Labcorp
Classification: Uncertain significance for Congenital glucose-galactose malabsorption. Last evaluated: 2022-10-13. Review status: criteria provided, single submitter. Criteria: Invitae Variant Classification Sherloc (09022015). Collection method: clinical testing. Allele origin: germline.
Comment: This sequence change replaces valine, which is neutral and non-polar, with methionine, which is neutral and non-polar, at codon 66 of the SLC5A1 protein (p.Val66Met). This variant is present in population databases (no rsID available, gnomAD 0.0009%). In summary, the available evidence is currently insufficient to determine the role of this variant in disease. Therefore, it has been classified as a Variant of Uncertain Significance. Advanced modeling of protein sequence and biophysical properties (such as structural, functional, and spatial information, amino acid conservation, physicochemical variation, residue mobility, and thermodynamic stability) performed at Invitae indicates that this missense variant is not expected to disrupt SLC5A1 protein function. This variant has not been reported in the literature in individuals affected with SLC5A1-related conditions.